The following is an entry in ClinVar:

ClinVar aggregate classification (germline): Uncertain significance (1 of 4 stars; one submission).

Conditions:
Dilated cardiomyopathy 1II (CMD1II). Identifiers: Orphanet 154, MedGen C3554649, MONDO:0014073, OMIM 615184.

Submission:

Labcorp Genetics (formerly Invitae), Labcorp
Classification: Uncertain significance for Dilated cardiomyopathy 1II. Last evaluated: 2021-05-05. Review status: criteria provided, single submitter. Criteria: Invitae Variant Classification Sherloc (09022015). Collection method: clinical testing. Allele origin: germline.
Comment: In summary, the available evidence is currently insufficient to determine the role of this variant in disease. Therefore, it has been classified as a Variant of Uncertain Significance. Nucleotide substitutions within the consensus splice site are a relatively common cause of aberrant splicing (PMID: 17576681, 9536098). Algorithms developed to predict the effect of sequence changes on RNA splicing suggest that this variant is not likely to affect RNA splicing, but this prediction has not been confirmed by published transcriptional studies. This variant has not been reported in the literature in individuals with CRYAB-related conditions. The frequency data for this variant in the population databases is not available, as this variant may be reported as separate entries in the ExAC database. This sequence change falls in intron 3 of the CRYAB gene. It does not directly change the encoded amino acid sequence of the CRYAB protein. It affects a nucleotide within the consensus splice site of the intron.

Literature cited by the submitters: PubMed 17576681; PubMed 9536098.

NM_001289808.2(CRYAB):c.324+3_324+4delinsGG

Gene: CRYAB (crystallin alpha B; minus strand). Cytogenetic location: 11q23.1.
Variant type: Indel.
Coding change: c.324+3_324+4delinsGG on transcript NM_001289808.2 (MANE Select); bases 3 to 4 of the intron after coding-DNA position 324, AT replaced by GG.
Molecular consequence: intron variant.
Genome position (GRCh38, 1-based): chr11:111,910,323-111,910,324, AT replaced by CC on the plus strand (AT replaced by GG on the coding strand, the reverse complement: CRYAB is on the minus strand). VCF-style: chr11-111910323-AT-CC. GRCh37 (hg19) VCF-style: chr11-111781047-AT-CC.
Other names: c.324+3_324+4delinsGG (NM_001368245.1, NM_001885.3, NM_001289807.1); c.123+3_123+4delinsGG (NM_001368246.1, NM_001330379.1).
Identifiers: ClinVar variation 1401304 (VCV001401304.6), dbSNP rs2137381725, ClinGen allele CA2573146792.